The following is an entry in ClinVar:

ClinVar aggregate classification (germline): Uncertain significance (1 of 4 stars; one submission).

Conditions:
Cardiovascular phenotype. Identifiers: MedGen CN230736.

Submission:

Ambry Genetics
Classification: Uncertain significance for Cardiovascular phenotype. Last evaluated: 2024-01-02. Review status: criteria provided, single submitter. Criteria: Ambry Variant Classification Scheme 2023. Collection method: clinical testing. Allele origin: germline.
Comment: The c.1090+3T>G intronic variant results from a T to G substitution 3 nucleotides after coding exon 12 in the MYBPC3 gene. This nucleotide position is not well conserved in available vertebrate species. In silico splice site analysis predicts that this alteration will not have any significant effect on splicing. Since supporting evidence is limited at this time, the clinical significance of this alteration remains unclear.

NM_000256.3(MYBPC3):c.1090+3T>G

Gene: MYBPC3 (myosin binding protein C3; minus strand). Cytogenetic location: 11p11.2.
Variant type: single nucleotide variant.
Coding change: c.1090+3T>G on transcript NM_000256.3 (MANE Select); 3 bases into the intron after coding-DNA position 1090, T replaced by G.
Molecular consequence: intron variant.
Genome position (GRCh38, 1-based): chr11:47,346,204, A>C on the plus strand (T>G on the coding strand, the complement: MYBPC3 is on the minus strand). VCF-style: chr11-47346204-A-C. GRCh37 (hg19) VCF-style: chr11-47367755-A-C.
Identifiers: ClinVar variation 3230865 (VCV003230865.1), dbSNP rs2495770199, ClinGen allele CA2825002014.